The following is an entry in ClinVar:

ClinVar aggregate classification (germline): Likely benign (0 of 4 stars; one submission).

Conditions:
JARID2-related disorder. Also called: JARID2-related condition.

Allele frequency attached by ClinVar (database versions not stated): gnomAD exomes 0.00014; gnomAD 0.00019; TOPMed 0.00022; ExAC 0.00023; ESP Exome Variant Server 0.00031.
gnomAD v4.1: 260 of 1,613,718 alleles (0.016%); highest among the groups gnomAD compares: Admixed American, 0.018%; 1 homozygote.

Submission:

PreventionGenetics, part of Exact Sciences
Classification: Likely benign for JARID2-related condition. Last evaluated: 2019-06-11. Review status: no assertion criteria provided. Collection method: clinical testing. Allele origin: germline.
Comment: This variant is classified as likely benign based on ACMG/AMP sequence variant interpretation guidelines (Richards et al. 2015 PMID: 25741868, with internal and published modifications).

NM_004973.4(JARID2):c.2257C>T (p.Arg753Cys)

Gene: JARID2 (jumonji and AT-rich interaction domain containing 2; plus strand). Cytogenetic location: 6p22.3.
Variant type: single nucleotide variant.
Coding change: c.2257C>T on transcript NM_004973.4 (MANE Select); coding-DNA position 2257, C replaced by T.
Protein change: p.Arg753Cys; replaces arginine 753 with cysteine.
Molecular consequence: missense variant.
Genome position (GRCh38, 1-based): chr6:15,501,218, C>T. VCF-style: chr6-15501218-C-T. GRCh37 (hg19) VCF-style: chr6-15501449-C-T.
Other names: c.1741C>T, p.Arg581Cys (NM_001267040.1); short protein forms R581C, R753C.
Identifiers: ClinVar variation 3033214 (VCV003033214.2), dbSNP rs148788707, ClinGen allele CA3643078.